The following is an entry in ClinVar:

ClinVar aggregate classification (germline): Likely benign. Review status: criteria provided, multiple submitters, no conflicts (2 of 4 stars). 4 submissions from 4 submitters: Likely benign (3). 1 of the submissions does not count toward it. Last evaluated 2026-01-24.

Conditions:
Epilepsy, idiopathic generalized, susceptibility to, 11 (EIG11). Identifiers: Orphanet 307, MedGen C2750893, MONDO:0011875, OMIM 607628.
Familial hyperaldosteronism type II. Also called: FH II. Identifiers: Orphanet 404, MedGen C1854107, MONDO:0011576, OMIM 605635.
Leukoencephalopathy with mild cerebellar ataxia and white matter edema (LKPAT). Also called: Leukoencephalopathy with ataxia; Leukoencephalopathy with white matter edema; Brain white matter edema; CLCN2-Related Leukoencephalopathy. Identifiers: Orphanet 363540, MedGen C4554120, MONDO:0014292, OMIM 615651. Disease mechanism: loss of function.

Allele frequency attached by ClinVar (database versions not stated): gnomAD 0.00004 and 0.00019; gnomAD exomes 0.00054; ExAC 0.00056; 1000 Genomes Project 0.00120; 1000 Genomes Project 30x 0.00125.
gnomAD v4.1: 442 of 1,613,534 alleles (0.027%); highest among the groups gnomAD compares: South Asian, 0.36%; 11 homozygotes.

Submissions (4):

Labcorp Genetics (formerly Invitae), Labcorp
Classification: Likely benign. Last evaluated: 2026-01-24. Review status: criteria provided, single submitter. Criteria: Invitae Variant Classification Sherloc (09022015). Collection method: clinical testing. Allele origin: germline.

Fulgent Genetics
Classification: Likely benign for Familial hyperaldosteronism type II; Epilepsy, idiopathic generalized, susceptibility to, 11; Leukoencephalopathy with mild cerebellar ataxia and white matter edema. Last evaluated: 2021-11-11. Review status: criteria provided, single submitter. Criteria: ACMG Guidelines, 2015. Collection method: clinical testing. Allele origin: unknown.

Breakthrough Genomics
Classification: Likely benign. Review status: criteria provided, single submitter. Criteria: ACMG Guidelines, 2015. Collection method: not provided. Allele origin: germline. Inheritance: Autosomal recessive inheritance. Affected: yes.

Department of Pathology and Laboratory Medicine, Sinai Health System
Classification: Benign. Review status: no assertion criteria provided. Collection method: clinical testing. Allele origin: unknown. Affected: yes. Study: The Canadian Open Genetics Repository (COGR). Not counted in ClinVar's aggregate classification.
Comment: The CLCN2 p.Arg653Thr variant was identified in the literature in a family with early-onset seizures; the variant was found in an affected son and his unaffected mother but was not found in the affected brother or affected father, and therefore did not segregate with disease in the family (Stâˆšâˆ‚lting_2013_PMID:23632988). The variant was identified in dbSNP (ID: rs568335048) but was not identified in ClinVar. The variant was identified in control databases in 138 of 282466 chromosomes (3 homozygous) at a frequency of 0.0004886 increasing the likelihood this could be a low frequency benign variant (Genome Aggregation Database March 6, 2019, v2.1.1). The variant was observed in the following populations: South Asian in 107 of 30616 chromosomes (freq: 0.003495), Other in 4 of 7210 chromosomes (freq: 0.000555), European (non-Finnish) in 24 of 128864 chromosomes (freq: 0.000186), Latino in 2 of 35428 chromosomes (freq: 0.000056) and East Asian in 1 of 19950 chromosomes (freq: 0.00005), but was not observed in the African, Ashkenazi Jewish, or European (Finnish) populations. Functional data showed that the p.R653T vairant accelerated ClC-2 gating under physiological, high ATP conditions (Stâˆšâˆ‚lting_2013_PMID:23632988). The p.Arg653Thr residue is not conserved in mammals and four out of five computational analyses (PolyPhen-2, SIFT, AlignGVGD, BLOSUM, MutationTaster) do not suggest a high likelihood of impact to the protein; however, this information is not predictive enough to rule out pathogenicity. The variant occurs outside of the splicing consensus sequence and in silico or computational prediction software programs (SpliceSiteFinder, MaxEntScan, NNSPLICE, GeneSplicer) do not predict a difference in splicing. In summary, based on the above information this variant meets our laboratory's criteria to be classified as benign.

NM_004366.6(CLCN2):c.1958G>C (p.Arg653Thr)

Gene: CLCN2 (chloride voltage-gated channel 2; minus strand). Cytogenetic location: 3q27.1.
Variant type: single nucleotide variant.
Coding change: c.1958G>C on transcript NM_004366.6 (MANE Select); coding-DNA position 1958, G replaced by C.
Protein change: p.Arg653Thr; replaces arginine 653 with threonine.
Molecular consequence: missense variant.
Genome position (GRCh38, 1-based): chr3:184,353,320, C>G on the plus strand (G>C on the coding strand, the complement: CLCN2 is on the minus strand). VCF-style: chr3-184353320-C-G. GRCh37 (hg19) VCF-style: chr3-184071108-C-G.
Other names: c.1907G>C, p.Arg636Thr (NM_001171087.3); c.1826G>C, p.Arg609Thr (NM_001171088.3); c.1958G>C, p.Arg653Thr (NM_001171089.3); short protein forms R609T, R636T, R653T.
Identifiers: ClinVar variation 1049612 (VCV001049612.11), dbSNP rs568335048, ClinGen allele CA2733927.
Genomic context (GRCh38, chr3:184,353,320, plus strand): 5'-ACAGAAGCCTCAGGGGTAGGGGGACCCTCCTGATCAGATAGTGGAGAGGTCTGGGTGGCT[C>G]TGCGCTCCTGCATGTGCTGCCGCCGGCGGGCTGGGCTCAGCTGGGCCCCCAACAATGCCA-3'
Protein context (NP_004357.3, residues 643-663): ARRRQHMQER[Arg653Thr]ATQTSPLSDQ